The following is an entry in ClinVar:

NM_004301.5(ACTL6A):c.314A>G (p.His105Arg)

Gene: ACTL6A (actin like 6A; plus strand). Cytogenetic location: 3q26.33.
Variant type: single nucleotide variant.
Coding change: c.314A>G on transcript NM_004301.5 (MANE Select); coding-DNA position 314, A replaced by G.
Protein change: p.His105Arg; replaces histidine 105 with arginine.
Molecular consequence: missense variant.
Genome position (GRCh38, 1-based): chr3:179,573,405, A>G. VCF-style: chr3-179573405-A-G. GRCh37 (hg19) VCF-style: chr3-179291193-A-G.
Other names: c.188A>G, p.His63Arg (NM_177989.4, NM_178042.4); short protein forms H105R, H63R.
Identifiers: ClinVar variation 2329885 (VCV002329885.4), dbSNP rs201010303, ClinGen allele CA2712758.

ClinVar aggregate classification (germline): Conflicting classifications of pathogenicity. Review status: criteria provided, conflicting classifications (1 of 4 stars). 3 submissions from 3 submitters: Uncertain significance (1); Likely benign (2). Last evaluated 2026-09-01.

Conditions:
Inborn genetic diseases. Identifiers: MedGen C0950123, MeSH D030342.
Familial thoracic aortic aneurysm and aortic dissection (TAAD). Also called: Thoracic aortic aneurysms and dissections. Identifiers: Orphanet 91387, MedGen C4707243, MONDO:0019625.

Allele frequency attached by ClinVar (database versions not stated): gnomAD 0.00017; TOPMed 0.00023; ExAC 0.00024; gnomAD exomes 0.00040.
gnomAD v4.1: 607 of 1,592,922 alleles (0.038%); highest among the groups gnomAD compares: Admixed American, 0.054%; no homozygotes.

Submissions (3):

CeGaT Center for Human Genetics Tuebingen
Classification: Likely benign. Last evaluated: 2026-09-01. Review status: criteria provided, single submitter. Criteria: CeGaT Center For Human Genetics Tuebingen Variant Classification Criteria Version 2. Collection method: clinical testing. Allele origin: germline. Affected: yes. Observed: 2 variant alleles.
Comment: ACTL6A: PP3, BS1

Ambry Genetics
Classification: Uncertain significance for Inborn genetic diseases. Last evaluated: 2021-09-27. Review status: criteria provided, single submitter. Criteria: Ambry Variant Classification Scheme 2023. Collection method: clinical testing. Allele origin: germline.

Cambridge Genomics Laboratory, East Genomic Laboratory Hub, NHS Genomic Medicine Service
Classification: Likely benign for Familial thoracic aortic aneurysm and aortic dissection. Last evaluated: 2020-03-30. Review status: criteria provided, single submitter. Criteria: ACGS Best Practice Guidelines for Variant Classification in Rare Disease 2020. Collection method: clinical testing. Allele origin: germline. Affected: yes. Observed: 1 variant allele.